The following is an entry in ClinVar:

NM_025136.4(OPA3):c.-12G>A

Genes: OPA3 (outer mitochondrial membrane lipid metabolism regulator OPA3; minus strand), OPA3-RTN2 (OPA3-RTN2 readthrough; minus strand), LOC130064709 (ATAC-STARR-seq lymphoblastoid active region 14802; plus strand). Cytogenetic location: 19q13.32.
Variant type: single nucleotide variant.
Coding change: c.-12G>A on transcript NM_025136.4 (MANE Select); 12 bases upstream of the start codon, G replaced by A.
Molecular consequence: 5 prime UTR variant.
Genome position (GRCh38, 1-based): chr19:45,584,776, C>T on the plus strand (G>A on the coding strand, the complement: OPA3 is on the minus strand). VCF-style: chr19-45584776-C-T. GRCh37 (hg19) VCF-style: chr19-46088034-C-T.
Other names: c.-12G>A (NM_001017989.3).
Identifiers: ClinVar variation 4535908 (VCV004535908.2).

ClinVar aggregate classification (germline): Benign/Likely benign. Review status: criteria provided, multiple submitters, no conflicts (2 of 4 stars). 2 submissions from 2 submitters: Benign (1); Likely benign (1). Last evaluated 2025-09-02.

gnomAD v4.1: 575 of 1,613,348 alleles (0.036%); highest among the groups gnomAD compares: South Asian, 0.44%; 7 homozygotes.

Submissions (2):

Women's Health and Genetics/Laboratory Corporation of America, LabCorp
Classification: Benign. Last evaluated: 2025-09-02. Review status: criteria provided, single submitter. Criteria: LabCorp Variant Classification Summary - May 2015. Collection method: clinical testing. Allele origin: germline.
Comment: Variant summary: OPA3 c.-12G>A is located in the untranslated mRNA region upstream of the initiation codon. The variant allele was found at a frequency of 0.00062 in 250432 control chromosomes, predominantly at a frequency of 0.0042 within the South Asian subpopulation in the gnomAD database, including 1 homozygotes. The observed variant frequency within South Asian control individuals in the gnomAD database exceeds the estimated maximal expected allele frequency for disease-causing variants in OPA3. To our knowledge, no occurrence of c.-12G>A in individuals affected with OPA3-related conditions and no experimental evidence demonstrating its impact on protein function have been reported. No submitters have cited clinical-significance assessments for this variant to ClinVar. Based on the evidence outlined above, the variant was classified as benign.

Blueprint Genetics
Classification: Likely benign. Last evaluated: 2024-11-04. Review status: criteria provided, single submitter. Criteria: ACMG Guidelines, 2015. Collection method: clinical testing. Allele origin: germline.